The following is an entry in ClinVar:

ClinVar aggregate classification (germline): Conflicting classifications of pathogenicity. Review status: criteria provided, conflicting classifications (1 of 4 stars). 2 submissions from 2 submitters: Uncertain significance (1); Likely benign (1). Last evaluated 2025-08-21.

Allele frequency attached by ClinVar (database versions not stated): ExAC 0.00003; gnomAD 0.00003; TOPMed 0.00003; ESP Exome Variant Server 0.00008; gnomAD exomes 0.00011.

Submissions (2):

Labcorp Genetics (formerly Invitae), Labcorp
Classification: Likely benign. Last evaluated: 2025-08-21. Review status: criteria provided, single submitter. Criteria: Invitae Variant Classification Sherloc (09022015). Collection method: clinical testing. Allele origin: germline.

GeneDx
Classification: Uncertain significance. Last evaluated: 2024-12-31. Review status: criteria provided, single submitter. Criteria: GeneDx Variant Classification Process June 2021. Collection method: clinical testing. Allele origin: germline. Affected: yes.
Comment: Has not been previously published as pathogenic or benign to our knowledge; In silico analysis is inconclusive as to whether the variant alters gene splicing. In the absence of RNA/functional studies, the actual effect of this sequence change is unknown

NM_025150.5(TARS2):c.1248C>T (p.Phe416=)

Gene: TARS2 (threonyl-tRNA synthetase 2, mitochondrial; plus strand). Cytogenetic location: 1q21.2.
Variant type: single nucleotide variant.
Coding change: c.1248C>T on transcript NM_025150.5 (MANE Select); coding-DNA position 1248, C replaced by T.
Protein change: p.Phe416=; no amino-acid change (phenylalanine 416 retained).
Molecular consequence: synonymous variant. On other transcripts: non-coding transcript variant (2).
Genome position (GRCh38, 1-based): chr1:150,498,511, C>T. VCF-style: chr1-150498511-C-T. GRCh37 (hg19) VCF-style: chr1-150470987-C-T.
Other names: c.1248C>T (NM_025150.4); c.1002C>T, p.Phe334= (NM_001271895.2); c.858C>T, p.Phe286= (NM_001271896.2).
Identifiers: ClinVar variation 2081110 (VCV002081110.5), dbSNP rs374152310, ClinGen allele CA1076961.